The following is an entry in ClinVar:

ClinVar aggregate classification (germline): Conflicting classifications of pathogenicity. Review status: criteria provided, conflicting classifications (1 of 4 stars). 9 submissions from 9 submitters: Uncertain significance (1); Benign (3); Likely benign (5). Last evaluated 2025-12-17.

Conditions:
Hereditary diffuse gastric adenocarcinoma (HDGC). Also called: DIFFUSE GASTRIC AND LOBULAR BREAST CANCER SYNDROME. Identifiers: Orphanet 26106, MedGen C1708349, MONDO:0007648, OMIM 137215.
Hereditary cancer-predisposing syndrome. Also called: Hereditary Cancer Syndrome; Neoplastic Syndromes, Hereditary; Tumor predisposition; Hereditary neoplastic syndrome. Identifiers: Orphanet 140162, MedGen C0027672, MeSH D009386, MONDO:0015356.

Allele frequency attached by ClinVar (database versions not stated): ExAC 0.00001; gnomAD 0.00002; gnomAD exomes 0.00002 and 0.00003; TOPMed 0.00002.
gnomAD v4.1: 41 of 1,614,084 alleles (0.0025%); highest among the groups gnomAD compares: Non-Finnish European, 0.0033%; no homozygotes.

Submissions (9):

Labcorp Genetics (formerly Invitae), Labcorp
Classification: Likely benign for Hereditary diffuse gastric adenocarcinoma. Last evaluated: 2025-12-17. Review status: criteria provided, single submitter. Criteria: Invitae Variant Classification Sherloc (09022015). Collection method: clinical testing. Allele origin: germline.

Myriad Genetics, Inc.
Classification: Benign for Hereditary diffuse gastric adenocarcinoma. Last evaluated: 2024-09-17. Review status: criteria provided, single submitter. Criteria: Myriad Autosomal Dominant, Autosomal Recessive and X-Linked Classification Criteria (2023). Collection method: clinical testing. Allele origin: unknown.
Comment: This variant is considered benign. This variant is a silent/synonymous amino acid change and it is not expected to impact splicing.

Department of Pathology and Laboratory Medicine, Sinai Health System
Classification: Likely benign for Hereditary diffuse gastric adenocarcinoma. Last evaluated: 2024-05-15. Review status: criteria provided, single submitter. Criteria: ACMG Guidelines, 2015. Collection method: clinical testing. Allele origin: germline. Affected: yes.

European Reference Network on Genetic Tumour Risk Syndromes (ERN-GENTURIS), i3s - Instituto de Investigação e Inovação em Saúde, University of Porto
Classification: Uncertain significance for Hereditary diffuse gastric adenocarcinoma. Last evaluated: 2022-08-01. Review status: criteria provided, single submitter. Criteria: Lee et al. (Hum Mutat. 2018). Collection method: clinical testing. Allele origin: germline. Inheritance: Autosomal dominant inheritance. Affected: no. Study: ERN GENTURIS.
Comment: Not applicable criteria (PMID: 30311375)

Quest Diagnostics Nichols Institute San Juan Capistrano
Classification: Likely benign. Last evaluated: 2021-08-10. Review status: criteria provided, single submitter. Criteria: Quest Diagnostics criteria. Collection method: clinical testing. Allele origin: unknown.

Sema4
Classification: Benign for Hereditary cancer-predisposing syndrome. Last evaluated: 2020-12-26. Review status: criteria provided, single submitter. Criteria: Sema4 Curation Guidelines. Collection method: curation. Allele origin: germline.

Color Diagnostics, LLC DBA Color Health
Classification: Likely benign for Hereditary cancer-predisposing syndrome. Last evaluated: 2018-09-26. Review status: criteria provided, single submitter. Criteria: ACMG Guidelines, 2015. Collection method: clinical testing. Allele origin: germline.

GeneDx
Classification: Benign. Last evaluated: 2015-03-03. Review status: criteria provided, single submitter. Criteria: GeneDx Variant Classification Process June 2021. Collection method: clinical testing. Allele origin: germline. Affected: yes.

Ambry Genetics
Classification: Likely benign for Hereditary cancer-predisposing syndrome. Last evaluated: 2014-08-08. Review status: criteria provided, single submitter. Criteria: Ambry Variant Classification Scheme 2023. Collection method: clinical testing. Allele origin: germline.

Literature cited by the submitters: PubMed 36436516 (cited by Department of Pathology and Laboratory Medicine, Sinai Health System and European Reference Network on Genetic Tumour Risk Syndromes (ERN-GENTURIS), i3s - Instituto de Investigação e Inovação em Saúde, University of Porto).

NM_004360.5(CDH1):c.957T>A (p.Ile319=)

Gene: CDH1 (cadherin 1; plus strand). Cytogenetic location: 16q22.1.
Variant type: single nucleotide variant.
Coding change: c.957T>A on transcript NM_004360.5 (MANE Select); coding-DNA position 957, T replaced by A.
Protein change: p.Ile319=; no amino-acid change (isoleucine 319 retained).
Molecular consequence: synonymous variant. On other transcripts: 5 prime UTR variant (2).
Genome position (GRCh38, 1-based): chr16:68,811,808, T>A. VCF-style: chr16-68811808-T-A. GRCh37 (hg19) VCF-style: chr16-68845711-T-A.
Other names: c.957T>A (LRG_301t1); c.957T>A, p.Ile319= (NM_001317184.2); c.-659T>A (NM_001317185.2); c.-863T>A (NM_001317186.2).
Identifiers: ClinVar variation 185800 (VCV000185800.26), dbSNP rs549252135, ClinGen allele CA192988.